The following is an entry in ClinVar:

ClinVar aggregate classification (germline): Conflicting classifications of pathogenicity. Review status: criteria provided, conflicting classifications (1 of 4 stars). 4 submissions from 4 submitters: Uncertain significance (2); Likely benign (2). Last evaluated 2026-01-12.

Conditions:
SPTB-related disorder. Also called: SPTB-related condition; SPTB-Related Disorders.

Allele frequency attached by ClinVar (database versions not stated): gnomAD 0.00041 and 0.00042; TOPMed 0.00042; 1000 Genomes Project 30x 0.00047; gnomAD exomes 0.00060 and 0.00040; ESP Exome Variant Server 0.00062; ExAC 0.00032; 1000 Genomes Project 0.00040.
gnomAD v4.1: 941 of 1,614,258 alleles (0.058%); highest among the groups gnomAD compares: Non-Finnish European, 0.074%; no homozygotes.

Submissions (4):

PreventionGenetics, part of Exact Sciences
Classification: Uncertain significance for SPTB-related condition. Last evaluated: 2026-01-12. Review status: criteria provided, single submitter. Criteria: ACMG Guidelines, 2015. Collection method: clinical testing. Allele origin: germline.
Comment: The SPTB c.1303G>C variant is predicted to result in the amino acid substitution p.Glu435Gln. This variant was reported in an individual with Beta thalassaemia (Pinto et al. 2023. PubMed ID: 36882369). This variant is reported in 0.071% of alleles in individuals of European (Non-Finnish) descent in gnomAD. Although we suspect that this variant may be benign, at this time, the clinical significance of this variant is uncertain due to the absence of conclusive functional and genetic evidence.

Labcorp Genetics (formerly Invitae), Labcorp
Classification: Likely benign. Last evaluated: 2025-10-21. Review status: criteria provided, single submitter. Criteria: Invitae Variant Classification Sherloc (09022015). Collection method: clinical testing. Allele origin: germline.

Mayo Clinic Laboratories, Mayo Clinic
Classification: Uncertain significance. Last evaluated: 2025-08-28. Review status: criteria provided, single submitter. Criteria: ACMG Guidelines, 2015. Collection method: clinical testing. Allele origin: germline. Observed: 2 variant alleles.
Comment: PM2_supporting

ARUP Laboratories, Molecular Genetics and Genomics, ARUP Laboratories
Classification: Likely benign. Last evaluated: 2023-09-02. Review status: criteria provided, single submitter. Criteria: ARUP Molecular Germline Variant Investigation Process 2024. Collection method: clinical testing. Allele origin: germline.

Literature cited by the submitters: PubMed 36882369 (cited by Mayo Clinic Laboratories, Mayo Clinic).

NM_001355436.2(SPTB):c.1303G>C (p.Glu435Gln)

Gene: SPTB (spectrin beta, erythrocytic; minus strand). Cytogenetic location: 14q23.3.
Variant type: single nucleotide variant.
Coding change: c.1303G>C on transcript NM_001355436.2 (MANE Select); coding-DNA position 1303, G replaced by C.
Protein change: p.Glu435Gln; replaces glutamic acid 435 with glutamine.
Molecular consequence: missense variant.
Genome position (GRCh38, 1-based): chr14:64,796,595, C>G on the plus strand (G>C on the coding strand, the complement: SPTB is on the minus strand). VCF-style: chr14-64796595-C-G. GRCh37 (hg19) VCF-style: chr14-65263313-C-G.
Other names: p.Glu435Gln; c.1303G>C, p.Glu435Gln (NM_001355437.2, NM_001024858.4); c.1303G>C (NM_001024858.2); short protein forms E435Q.
Identifiers: ClinVar variation 313769 (VCV000313769.17), dbSNP rs149521594, ClinGen allele CA7231158.